The following is an entry in ClinVar:

NM_005359.6(SMAD4):c.608C>T (p.Pro203Leu)

Gene: SMAD4 (SMAD family member 4; plus strand). Cytogenetic location: 18q21.2.
Variant type: single nucleotide variant.
Coding change: c.608C>T on transcript NM_005359.6 (MANE Select); coding-DNA position 608, C replaced by T.
Protein change: p.Pro203Leu; replaces proline 203 with leucine.
Molecular consequence: missense variant.
Genome position (GRCh38, 1-based): chr18:51,054,934, C>T. VCF-style: chr18-51054934-C-T. GRCh37 (hg19) VCF-style: chr18-48581304-C-T.
Other names: short protein forms P203L.
Identifiers: ClinVar variation 826178 (VCV000826178.6), dbSNP rs779119136, ClinGen allele CA8965838.

ClinVar aggregate classification (germline): Uncertain significance. Review status: criteria provided, multiple submitters, no conflicts (2 of 4 stars). 2 submissions from 2 submitters: Uncertain significance (2). Last evaluated 2023-12-29.

Conditions:
Familial thoracic aortic aneurysm and aortic dissection (TAAD). Also called: Thoracic aortic aneurysms and dissections. Identifiers: Orphanet 91387, MedGen C4707243, MONDO:0019625.
Hereditary cancer-predisposing syndrome. Also called: Neoplastic Syndromes, Hereditary; Hereditary neoplastic syndrome; Hereditary Cancer Syndrome; Tumor predisposition. Identifiers: Orphanet 140162, MedGen C0027672, MeSH D009386, MONDO:0015356.
Juvenile polyposis/hereditary hemorrhagic telangiectasia syndrome (JPHT). Also called: JP/HHT SYNDROME; JUVENILE POLYPOSIS WITH HEREDITARY HEMORRHAGIC TELANGIECTASIA; POLYPOSIS, GENERALIZED JUVENILE, WITH PULMONARY ARTERIOVENOUS MALFORMATION; TELANGIECTASIA, HEREDITARY HEMORRHAGIC, WITH JUVENILE POLYPOSIS COLI; Juvenile Polyposis Syndrome / Hereditary Hemorrhagic Telangiectasia (JPS/HHT). Identifiers: Orphanet 2929, MedGen C1832942, MONDO:0008278, OMIM 175050.

Allele frequency attached by ClinVar (database versions not stated): gnomAD exomes below 0.00001; ExAC 0.00001.

Submissions (2):

Baylor Genetics
Classification: Uncertain significance for Juvenile polyposis/hereditary hemorrhagic telangiectasia syndrome. Last evaluated: 2023-12-29. Review status: criteria provided, single submitter. Criteria: ACMG Guidelines, 2015. Collection method: clinical testing. Allele origin: unknown.

Ambry Genetics
Classification: Uncertain significance for Hereditary cancer-predisposing syndrome; Familial thoracic aortic aneurysm and aortic dissection. Last evaluated: 2019-09-17. Review status: criteria provided, single submitter. Criteria: Ambry Variant Classification Scheme 2023. Collection method: clinical testing. Allele origin: germline.
Comment: The p.P203L variant (also known as c.608C>T), located in coding exon 4 of the SMAD4 gene, results from a C to T substitution at nucleotide position 608. The proline at codon 203 is replaced by leucine, an amino acid with similar properties. This amino acid position is well conserved in available vertebrate species. In addition, this alteration is predicted to be deleterious by in silico analysis. Since supporting evidence is limited at this time, the clinical significance of this alteration remains unclear.